The following is an entry in ClinVar:

NM_000038.6(APC):c.2668G>A (p.Val890Ile)

Gene: APC (APC regulator of Wnt signaling pathway; plus strand). Cytogenetic location: 5q22.2.
Variant type: single nucleotide variant.
Coding change: c.2668G>A on transcript NM_000038.6 (MANE Select); coding-DNA position 2668, G replaced by A.
Protein change: p.Val890Ile; replaces valine 890 with isoleucine.
Molecular consequence: missense variant.
Genome position (GRCh38, 1-based): chr5:112,838,262, G>A. VCF-style: chr5-112838262-G-A. GRCh37 (hg19) VCF-style: chr5-112173959-G-A.
Other names: c.2668G>A, p.Val890Ile (NM_001127510.3, NM_001354895.2); c.2614G>A, p.Val872Ile (NM_001127511.3); c.2722G>A, p.Val908Ile (NM_001354896.2); c.2698G>A, p.Val900Ile (NM_001354897.2); c.2593G>A, p.Val865Ile (NM_001354898.2); c.2584G>A, p.Val862Ile (NM_001354899.2); c.2545G>A, p.Val849Ile (NM_001354900.2); c.2491G>A, p.Val831Ile (NM_001354901.2); and 5 more; short protein forms V789I, V849I, V865I, V872I, V607I, V890I, V900I, V730I.
Identifiers: ClinVar variation 852548 (VCV000852548.16), dbSNP rs779998847, ClinGen allele CA033014.

ClinVar aggregate classification (germline): Uncertain significance. Review status: criteria provided, multiple submitters, no conflicts (2 of 4 stars). 4 submissions from 4 submitters: Uncertain significance (4). Last evaluated 2025-03-28.

Conditions:
Hereditary cancer-predisposing syndrome. Also called: Neoplastic Syndromes, Hereditary; Hereditary Cancer Syndrome; Tumor predisposition; Hereditary neoplastic syndrome. Identifiers: Orphanet 140162, MedGen C0027672, MeSH D009386, MONDO:0015356.
Familial adenomatous polyposis 1 (FAP1). Also called: POLYPOSIS, ADENOMATOUS INTESTINAL; FAMILIAL ADENOMATOUS POLYPOSIS 1, ATTENUATED. Identifiers: MedGen C2713442, MONDO:0021056, OMIM 175100. Disease mechanism: loss of function.
Classic or attenuated familial adenomatous polyposis. Identifiers: MedGen CN372698, MONDO:0021057.

Allele frequency attached by ClinVar (database versions not stated): gnomAD exomes below 0.00001 and 0.00001; ExAC 0.00001.
gnomAD v4.1: 7 of 1,614,204 alleles (0.00043%); highest among the groups gnomAD compares: Non-Finnish European, 0.00059%; no homozygotes.

Submissions (4):

Ambry Genetics
Classification: Uncertain significance for Hereditary cancer-predisposing syndrome. Last evaluated: 2025-03-28. Review status: criteria provided, single submitter. Criteria: Ambry Variant Classification Scheme 2023. Collection method: clinical testing. Allele origin: germline.
Comment: The p.V890I variant (also known as c.2668G>A), located in coding exon 15 of the APC gene, results from a G to A substitution at nucleotide position 2668. The valine at codon 890 is replaced by isoleucine, an amino acid with highly similar properties. This amino acid position is well conserved in available vertebrate species. In addition, in silico predictors for this gene do not accurately predict pathogenicity. Missense alterations in APC are not a common cause of disease (Spier I et al. Genet Med. 2024 Feb;26(2):100992). Based on the available evidence, the clinical significance of this variant remains unclear.

Center for Genomic Medicine, Rigshospitalet, Copenhagen University Hospital
Classification: Uncertain significance. Last evaluated: 2025-03-04. Review status: criteria provided, single submitter. Criteria: ACMG Guidelines, 2015. Collection method: clinical testing. Allele origin: germline.

All of Us Research Program, National Institutes of Health
Classification: Uncertain significance for Classic or attenuated familial adenomatous polyposis. Last evaluated: 2024-03-05. Review status: criteria provided, single submitter. Criteria: ACMG Guidelines, 2015. Collection method: clinical testing. Allele origin: germline. Inheritance: Autosomal dominant inheritance. Observed: 1 variant allele, 1 heterozygote.
Comment: This study involves interpretation of variants in research participants for the purpose of population health screening. Participant phenotype was not available at the time of variant classification. Additional details can be found in publication PMID: 35346344, PMCID: PMC8962531

Labcorp Genetics (formerly Invitae), Labcorp
Classification: Uncertain significance for Familial adenomatous polyposis 1. Last evaluated: 2022-01-28. Review status: criteria provided, single submitter. Criteria: Invitae Variant Classification Sherloc (09022015). Collection method: clinical testing. Allele origin: germline.
Comment: This sequence change replaces valine, which is neutral and non-polar, with isoleucine, which is neutral and non-polar, at codon 890 of the APC protein (p.Val890Ile). This variant is present in population databases (rs779998847, gnomAD 0.002%). This variant has not been reported in the literature in individuals affected with APC-related conditions. ClinVar contains an entry for this variant (Variation ID: 852548). Algorithms developed to predict the effect of missense changes on protein structure and function are either unavailable or do not agree on the potential impact of this missense change (SIFT: "Deleterious"; PolyPhen-2: "Benign"; Align-GVGD: "Class C0"). In summary, the available evidence is currently insufficient to determine the role of this variant in disease. Therefore, it has been classified as a Variant of Uncertain Significance.